The following is an entry in ClinVar:

NM_004415.4(DSP):c.5115G>C (p.Arg1705Ser)

Gene: DSP (desmoplakin; plus strand). Cytogenetic location: 6p24.3.
Variant type: single nucleotide variant.
Coding change: c.5115G>C on transcript NM_004415.4 (MANE Select); coding-DNA position 5115, G replaced by C.
Protein change: p.Arg1705Ser; replaces arginine 1705 with serine.
Molecular consequence: missense variant. On other transcripts: intron variant (2).
Genome position (GRCh38, 1-based): chr6:7,581,305, G>C. VCF-style: chr6-7581305-G-C. GRCh37 (hg19) VCF-style: chr6-7581538-G-C.
Other names: c.4050+1065G>C (NM_001319034.2); c.3583-1337G>C (NM_001008844.3); short protein forms R1705S.
Identifiers: ClinVar variation 1745434 (VCV001745434.8), dbSNP rs1276966122, ClinGen allele CA362687888.

ClinVar aggregate classification (germline): Conflicting classifications of pathogenicity. Review status: criteria provided, conflicting classifications (1 of 4 stars). 4 submissions from 4 submitters: Uncertain significance (3); Likely benign (1). Last evaluated 2025-05-25.

Conditions:
Arrhythmogenic cardiomyopathy with wooly hair and keratoderma. Also called: Arrhythmogenic cardiomyopathy with woolly hair and keratoderma; PALMOPLANTAR KERATODERMA WITH LEFT VENTRICULAR CARDIOMYOPATHY AND WOOLLY HAIR; Carvajal syndrome; Dilated cardiomyopathy with woolly hair and keratoderma. Identifiers: Orphanet 65282, MedGen C1854063, MONDO:0011581, OMIM 605676.
Arrhythmogenic right ventricular dysplasia 8 (ARVD8). Also called: Arrhythmogenic Right Ventricular Dysplasia/Cardiomyopathy 8; ARRHYTHMOGENIC RIGHT VENTRICULAR DYSPLASIA, FAMILIAL, 8; ARRHYTHMOGENIC RIGHT VENTRICULAR CARDIOMYOPATHY 8. Identifiers: MedGen C1843896, MONDO:0011831, OMIM 607450.
Cardiovascular phenotype. Identifiers: MedGen CN230736.
Cardiomyopathy (CMYO). Also called: Cardiomyopathies. Identifiers: Orphanet 167848, MedGen C0878544, MONDO:0004994, HP:0001638. Inheritance: Various modes of inheritance.

Allele frequency attached by ClinVar (database versions not stated): gnomAD exomes 0.00001.
gnomAD v4.1: 10 of 1,614,108 alleles (0.00062%); highest among the groups gnomAD compares: African/African-American, 0.0013%; no homozygotes.

Submissions (4):

Color Diagnostics, LLC DBA Color Health
Classification: Uncertain significance for Cardiomyopathy. Last evaluated: 2025-05-25. Review status: criteria provided, single submitter. Criteria: ACMG Guidelines, 2015. Collection method: clinical testing. Allele origin: germline.
Comment: This missense variant replaces arginine with serine at codon 1705 of the DSP protein. Computational prediction suggests that this variant may not impact protein structure and function. To our knowledge, functional studies have not been reported for this variant. This variant has not been reported in individuals affected with DSP-related disorders in the literature. This variant has been identified in 1/31394 chromosomes in the general population by the Genome Aggregation Database (gnomAD). The available evidence is insufficient to determine the role of this variant in disease conclusively. Therefore, this variant is classified as a Variant of Uncertain Significance.

Blueprint Genetics
Classification: Uncertain significance. Last evaluated: 2023-10-11. Review status: criteria provided, single submitter. Criteria: ACMG Guidelines, 2015. Collection method: clinical testing. Allele origin: germline.

Labcorp Genetics (formerly Invitae), Labcorp
Classification: Likely benign for Arrhythmogenic cardiomyopathy with wooly hair and keratoderma; Arrhythmogenic right ventricular dysplasia 8. Last evaluated: 2023-03-07. Review status: criteria provided, single submitter. Criteria: Invitae Variant Classification Sherloc (09022015). Collection method: clinical testing. Allele origin: germline.

Ambry Genetics
Classification: Uncertain significance for Cardiovascular phenotype. Last evaluated: 2023-02-13. Review status: criteria provided, single submitter. Criteria: Ambry Variant Classification Scheme 2023. Collection method: clinical testing. Allele origin: germline.
Comment: The p.R1705S variant (also known as c.5115G>C), located in coding exon 23 of the DSP gene, results from a G to C substitution at nucleotide position 5115. The arginine at codon 1705 is replaced by serine, an amino acid with dissimilar properties. This amino acid position is well conserved in available vertebrate species. In addition, the in silico prediction for this alteration is inconclusive. Since supporting evidence is limited at this time, the clinical significance of this alteration remains unclear.